The following is an entry in ClinVar:

ClinVar aggregate classification (germline): Uncertain significance. Review status: criteria provided, multiple submitters, no conflicts (2 of 4 stars). 2 submissions from 2 submitters: Uncertain significance (2). Last evaluated 2025-08-25.

Conditions:
Autosomal dominant childhood-onset proximal spinal muscular atrophy with contractures (SMALED2A). Also called: SPINAL MUSCULAR ATROPHY, LOWER EXTREMITY-PREDOMINANT, 2A, CHILDHOOD ONSET, AUTOSOMAL DOMINANT; Spinal muscular atrophy, lower extremity-predominant, 2A, autosomal dominant. Identifiers: Orphanet 363447, Orphanet 363454, MedGen C4747715, MONDO:0014121, OMIM 615290.

Allele frequency attached by ClinVar (database versions not stated): TOPMed 0.00004; 1000 Genomes Project 30x 0.00016; 1000 Genomes Project 0.00020.
gnomAD v4.1: 13 of 1,614,218 alleles (0.00081%); highest among the groups gnomAD compares: East Asian, 0.02%; no homozygotes.

Submissions (2):

Labcorp Genetics (formerly Invitae), Labcorp
Classification: Uncertain significance for Autosomal dominant childhood-onset proximal spinal muscular atrophy with contractures. Last evaluated: 2025-08-25. Review status: criteria provided, single submitter. Criteria: Invitae Variant Classification Sherloc (09022015). Collection method: clinical testing. Allele origin: germline.
Comment: This sequence change replaces glutamic acid, which is acidic and polar, with lysine, which is basic and polar, at codon 426 of the BICD2 protein (p.Glu426Lys). This variant is present in population databases (rs184465241, gnomAD 0.02%). This variant has not been reported in the literature in individuals affected with BICD2-related conditions. ClinVar contains an entry for this variant (Variation ID: 643132). Invitae Evidence Modeling of protein sequence and biophysical properties (such as structural, functional, and spatial information, amino acid conservation, physicochemical variation, residue mobility, and thermodynamic stability) indicates that this missense variant is not expected to disrupt BICD2 protein function with a negative predictive value of 80%. In summary, the available evidence is currently insufficient to determine the role of this variant in disease. Therefore, it has been classified as a Variant of Uncertain Significance.

CeGaT Center for Human Genetics Tuebingen
Classification: Uncertain significance. Last evaluated: 2024-11-01. Review status: criteria provided, single submitter. Criteria: CeGaT Center For Human Genetics Tuebingen Variant Classification Criteria Version 2. Collection method: clinical testing. Allele origin: germline. Affected: yes. Observed: 1 variant allele.

NM_001003800.2(BICD2):c.1276G>A (p.Glu426Lys)

Gene: BICD2 (BICD cargo adaptor 2; minus strand). Cytogenetic location: 9q22.31.
Variant type: single nucleotide variant.
Coding change: c.1276G>A on transcript NM_001003800.2 (MANE Select); coding-DNA position 1276, G replaced by A.
Protein change: p.Glu426Lys; replaces glutamic acid 426 with lysine.
Molecular consequence: missense variant.
Genome position (GRCh38, 1-based): chr9:92,719,369, C>T on the plus strand (G>A on the coding strand, the complement: BICD2 is on the minus strand). VCF-style: chr9-92719369-C-T. GRCh37 (hg19) VCF-style: chr9-95481651-C-T.
Other names: c.1276G>A, p.Glu426Lys (NM_015250.4); short protein forms E426K.
Identifiers: ClinVar variation 643132 (VCV000643132.23), dbSNP rs184465241, ClinGen allele CA5126592.